The following is an entry in ClinVar:

ClinVar aggregate classification (germline): Likely benign. Review status: criteria provided, multiple submitters, no conflicts (2 of 4 stars). 3 submissions from 3 submitters: Likely benign (2). 1 of the submissions does not count toward it. Last evaluated 2025-09-10.

Conditions:
Primary ciliary dyskinesia. Also called: Ciliary dyskinesia. Identifiers: Orphanet 244, MedGen C0008780, MONDO:0016575, HP:0012265.
DNAAF5-related disorder. Also called: DNAAF5-related condition.

Allele frequency attached by ClinVar (database versions not stated): ESP Exome Variant Server 0.00008; TOPMed 0.00009; gnomAD 0.00010; 1000 Genomes Project 30x 0.00016; 1000 Genomes Project 0.00020.
gnomAD v4.1: 174 of 1,614,090 alleles (0.011%); highest among the groups gnomAD compares: Admixed American, 0.013%; no homozygotes.

Submissions (3):

Labcorp Genetics (formerly Invitae), Labcorp
Classification: Likely benign for Primary ciliary dyskinesia. Last evaluated: 2025-09-10. Review status: criteria provided, single submitter. Criteria: Invitae Variant Classification Sherloc (09022015). Collection method: clinical testing. Allele origin: germline.

Ambry Genetics
Classification: Likely benign for Primary ciliary dyskinesia. Last evaluated: 2022-05-15. Review status: criteria provided, single submitter. Criteria: Ambry Variant Classification Scheme 2023. Collection method: clinical testing. Allele origin: germline.

PreventionGenetics, part of Exact Sciences
Classification: Likely benign for DNAAF5-related condition. Last evaluated: 2019-03-20. Review status: no assertion criteria provided. Collection method: clinical testing. Allele origin: germline. Not counted in ClinVar's aggregate classification.
Comment: This variant is classified as likely benign based on ACMG/AMP sequence variant interpretation guidelines (Richards et al. 2015 PMID: 25741868, with internal and published modifications).

NM_017802.4(DNAAF5):c.822G>C (p.Leu274=)

Gene: DNAAF5 (dynein axonemal assembly factor 5; plus strand). Cytogenetic location: 7p22.3.
Variant type: single nucleotide variant.
Coding change: c.822G>C on transcript NM_017802.4 (MANE Select); coding-DNA position 822, G replaced by C.
Protein change: p.Leu274=; no amino-acid change (leucine 274 retained).
Molecular consequence: synonymous variant. On other transcripts: non-coding transcript variant (1).
Genome position (GRCh38, 1-based): chr7:740,860, G>C. VCF-style: chr7-740860-G-C. GRCh37 (hg19) VCF-style: chr7-780497-G-C.
Identifiers: ClinVar variation 696227 (VCV000696227.15), dbSNP rs142939429, ClinGen allele CA4110474.